The following is an entry in ClinVar:

NM_004369.4(COL6A3):c.8579A>G (p.Asn2860Ser)

Gene: COL6A3 (collagen type VI alpha 3 chain; minus strand). Cytogenetic location: 2q37.3.
Variant type: single nucleotide variant.
Coding change: c.8579A>G on transcript NM_004369.4 (MANE Select); coding-DNA position 8579, A replaced by G.
Protein change: p.Asn2860Ser; replaces asparagine 2860 with serine.
Molecular consequence: missense variant.
Genome position (GRCh38, 1-based): chr2:237,336,521, T>C on the plus strand (A>G on the coding strand, the complement: COL6A3 is on the minus strand). VCF-style: chr2-237336521-T-C. GRCh37 (hg19) VCF-style: chr2-238245164-T-C.
Other names: c.6758A>G, p.Asn2253Ser (NM_057166.5); c.7961A>G, p.Asn2654Ser (NM_057167.4); short protein forms N2253S, N2654S, N2860S.
Identifiers: ClinVar variation 2688848 (VCV002688848.3), dbSNP rs992173031, ClinGen allele CA67830779.

ClinVar aggregate classification (germline): Uncertain significance. Review status: criteria provided, multiple submitters, no conflicts (2 of 4 stars). 2 submissions from 2 submitters: Uncertain significance (2). Last evaluated 2025-05-01.

Conditions:
Bethlem myopathy 1A. Also called: MYOPATHY, BENIGN CONGENITAL, WITH CONTRACTURES; Bethlem myopathy 1; Bethlem Muscular Dystrophy. Identifiers: Orphanet 610, MedGen CN029274, MONDO:0024530, OMIM 158810.

Allele frequency attached by ClinVar (database versions not stated): gnomAD exomes below 0.00001; gnomAD 0.00001.
gnomAD v4.1: 2 of 1,614,106 alleles (0.00012%); highest among the groups gnomAD compares: Non-Finnish European, 0.00017%; no homozygotes.

Submissions (2):

Labcorp Genetics (formerly Invitae), Labcorp
Classification: Uncertain significance for Bethlem myopathy 1A. Last evaluated: 2025-05-01. Review status: criteria provided, single submitter. Criteria: Invitae Variant Classification Sherloc (09022015). Collection method: clinical testing. Allele origin: germline.
Comment: This sequence change replaces asparagine, which is neutral and polar, with serine, which is neutral and polar, at codon 2860 of the COL6A3 protein (p.Asn2860Ser). This variant is present in population databases (no rsID available, gnomAD 0.007%). This variant has not been reported in the literature in individuals affected with COL6A3-related conditions. ClinVar contains an entry for this variant (Variation ID: 2688848). Invitae Evidence Modeling of protein sequence and biophysical properties (such as structural, functional, and spatial information, amino acid conservation, physicochemical variation, residue mobility, and thermodynamic stability) indicates that this missense variant is not expected to disrupt COL6A3 protein function with a negative predictive value of 80%. In summary, the available evidence is currently insufficient to determine the role of this variant in disease. Therefore, it has been classified as a Variant of Uncertain Significance.

Revvity Omics, Revvity
Classification: Uncertain significance. Last evaluated: 2023-02-06. Review status: criteria provided, single submitter. Criteria: ACMG Guidelines, 2015. Collection method: clinical testing. Allele origin: germline.